The following is an entry in ClinVar:

ClinVar aggregate classification (germline): Benign/Likely benign. Review status: criteria provided, multiple submitters, no conflicts (2 of 4 stars). 10 submissions from 10 submitters: Benign (1); Likely benign (8). 1 of the submissions does not count toward it. Last evaluated 2026-04-01.

Conditions:
SMAD3-related disorder. Also called: SMAD3-related condition.
Familial thoracic aortic aneurysm and aortic dissection (TAAD). Also called: Thoracic aortic aneurysms and dissections. Identifiers: Orphanet 91387, MedGen C4707243, MONDO:0019625.
Aneurysm-osteoarthritis syndrome. Also called: LOEYS-DIETZ SYNDROME WITH OSTEOARTHRITIS; SMAD3-Related Loeys-Dietz Syndrome; ANEURYSMS-OSTEOARTHRITIS SYNDROME; Loeys-Dietz syndrome, type 1C. Identifiers: Orphanet 284984, MedGen C3151087, MONDO:0013426, OMIM 613795.

Allele frequency attached by ClinVar (database versions not stated): ESP Exome Variant Server 0.00008; gnomAD exomes 0.00014 and 0.00015; TOPMed 0.00015; 1000 Genomes Project 30x 0.00016; gnomAD 0.00016; ExAC 0.00018; 1000 Genomes Project 0.00020.
gnomAD v4.1: 247 of 1,613,306 alleles (0.015%); highest among the groups gnomAD compares: Admixed American, 0.018%; 1 homozygote.

Submissions (10):

CeGaT Center for Human Genetics Tuebingen
Classification: Likely benign. Last evaluated: 2026-04-01. Review status: criteria provided, single submitter. Criteria: CeGaT Center For Human Genetics Tuebingen Variant Classification Criteria Version 2. Collection method: clinical testing. Allele origin: germline. Affected: yes. Observed: 2 variant alleles.
Comment: SMAD3: BP4, BP7

Women's Health and Genetics/Laboratory Corporation of America, LabCorp
Classification: Benign. Last evaluated: 2026-01-16. Review status: criteria provided, single submitter. Criteria: LabCorp Variant Classification Summary - May 2015. Collection method: clinical testing. Allele origin: germline.

Labcorp Genetics (formerly Invitae), Labcorp
Classification: Likely benign for Familial thoracic aortic aneurysm and aortic dissection. Last evaluated: 2026-01-13. Review status: criteria provided, single submitter. Criteria: Invitae Variant Classification Sherloc (09022015). Collection method: clinical testing. Allele origin: germline.

Molecular Diagnostic Laboratory for Inherited Cardiovascular Disease, Montreal Heart Institute
Classification: Likely benign. Last evaluated: 2025-04-09. Review status: criteria provided, single submitter. Criteria: ACMG Guidelines, 2015. Collection method: clinical testing. Allele origin: germline. Affected: no.
Comment: BP7

Blueprint Genetics
Classification: Likely benign. Last evaluated: 2024-08-14. Review status: criteria provided, single submitter. Criteria: ACMG Guidelines, 2015. Collection method: clinical testing. Allele origin: germline.

All of Us Research Program, National Institutes of Health
Classification: Likely benign for Aneurysm-osteoarthritis syndrome. Last evaluated: 2024-01-11. Review status: criteria provided, single submitter. Criteria: ACMG Guidelines, 2015. Collection method: clinical testing. Allele origin: germline. Inheritance: Autosomal dominant inheritance. Observed: 42 variant alleles, 42 heterozygotes.
Comment: This study involves interpretation of variants in research participants for the purpose of population health screening. Participant phenotype was not available at the time of variant classification. Additional details can be found in publication PMID: 35346344, PMCID: PMC8962531

GeneDx
Classification: Likely benign. Last evaluated: 2021-04-28. Review status: criteria provided, single submitter. Criteria: GeneDx Variant Classification Process June 2021. Collection method: clinical testing. Allele origin: germline. Affected: yes.

Color Diagnostics, LLC DBA Color Health
Classification: Likely benign for Familial thoracic aortic aneurysm and aortic dissection. Last evaluated: 2018-10-15. Review status: criteria provided, single submitter. Criteria: ACMG Guidelines, 2015. Collection method: clinical testing. Allele origin: germline.

Ambry Genetics
Classification: Likely benign for Familial thoracic aortic aneurysm and aortic dissection. Last evaluated: 2016-06-23. Review status: criteria provided, single submitter. Criteria: Ambry Variant Classification Scheme 2023. Collection method: clinical testing. Allele origin: germline.

PreventionGenetics, part of Exact Sciences
Classification: Likely benign for SMAD3-related condition. Last evaluated: 2019-05-15. Review status: no assertion criteria provided. Collection method: clinical testing. Allele origin: germline. Not counted in ClinVar's aggregate classification.
Comment: This variant is classified as likely benign based on ACMG/AMP sequence variant interpretation guidelines (Richards et al. 2015 PMID: 25741868, with internal and published modifications).

NM_005902.4(SMAD3):c.687G>A (p.Pro229=)

Gene: SMAD3 (SMAD family member 3; plus strand). Cytogenetic location: 15q22.33.
Variant type: single nucleotide variant.
Coding change: c.687G>A on transcript NM_005902.4 (MANE Select); coding-DNA position 687, G replaced by A.
Protein change: p.Pro229=; no amino-acid change (proline 229 retained).
Molecular consequence: synonymous variant.
Genome position (GRCh38, 1-based): chr15:67,181,269, G>A. VCF-style: chr15-67181269-G-A. GRCh37 (hg19) VCF-style: chr15-67473607-G-A.
Other names: c.372G>A, p.Pro124= (NM_001145102.2); c.555G>A, p.Pro185= (NM_001145103.2); c.102G>A, p.Pro34= (NM_001145104.2).
Identifiers: ClinVar variation 413483 (VCV000413483.58), dbSNP rs138940179, ClinGen allele CA062574.